The following is an entry in ClinVar:

ClinVar aggregate classification (germline): Uncertain significance. Review status: criteria provided, multiple submitters, no conflicts (2 of 4 stars). 2 submissions from 2 submitters: Uncertain significance (2). Last evaluated 2025-02-18.

Conditions:
Hereditary cancer-predisposing syndrome. Also called: Neoplastic Syndromes, Hereditary; Hereditary Cancer Syndrome; Hereditary neoplastic syndrome; Tumor predisposition. Identifiers: Orphanet 140162, MedGen C0027672, MeSH D009386, MONDO:0015356.
Gorlin syndrome. Also called: Nevoid Basal Cell Carcinoma Syndrome; Basal cell nevus syndrome. Identifiers: Orphanet 377, MedGen C0004779, MONDO:0007187.
Medulloblastoma (MDB). Also called: MEDULLOBLASTOMA PREDISPOSITION SYNDROME; Medulloblastoma, somatic. Identifiers: Orphanet 616, MedGen C0025149, MeSH D008527, MONDO:0007959, OMIM 155255, HP:0002885.

Allele frequency attached by ClinVar (database versions not stated): gnomAD exomes below 0.00001.
gnomAD v4.1: 1 of 1,614,234 alleles (0.000062%); highest among the groups gnomAD compares: Non-Finnish European, 0.000085%; no homozygotes.

Submissions (2):

Labcorp Genetics (formerly Invitae), Labcorp
Classification: Uncertain significance for Gorlin syndrome; Medulloblastoma. Last evaluated: 2025-02-18. Review status: criteria provided, single submitter. Criteria: Invitae Variant Classification Sherloc (09022015). Collection method: clinical testing. Allele origin: germline.
Comment: This sequence change replaces aspartic acid, which is acidic and polar, with asparagine, which is neutral and polar, at codon 111 of the SUFU protein (p.Asp111Asn). This variant is not present in population databases (gnomAD no frequency). This variant has not been reported in the literature in individuals affected with SUFU-related conditions. ClinVar contains an entry for this variant (Variation ID: 823604). Invitae Evidence Modeling of protein sequence and biophysical properties (such as structural, functional, and spatial information, amino acid conservation, physicochemical variation, residue mobility, and thermodynamic stability) indicates that this missense variant is not expected to disrupt SUFU protein function with a negative predictive value of 80%. In summary, the available evidence is currently insufficient to determine the role of this variant in disease. Therefore, it has been classified as a Variant of Uncertain Significance.

Ambry Genetics
Classification: Uncertain significance for Hereditary cancer-predisposing syndrome. Last evaluated: 2018-07-11. Review status: criteria provided, single submitter. Criteria: Ambry Variant Classification Scheme 2023. Collection method: clinical testing. Allele origin: germline.
Comment: The p.D111N variant (also known as c.331G>A), located in coding exon 3 of the SUFU gene, results from a G to A substitution at nucleotide position 331. The aspartic acid at codon 111 is replaced by asparagine, an amino acid with highly similar properties. This amino acid position is highly conserved in available vertebrate species. In addition, this alteration is predicted to be tolerated by in silico analysis. Since supporting evidence is limited at this time, the clinical significance of this alteration remains unclear.

NM_016169.4(SUFU):c.331G>A (p.Asp111Asn)

Gene: SUFU (SUFU negative regulator of hedgehog signaling; plus strand). Cytogenetic location: 10q24.32.
Variant type: single nucleotide variant.
Coding change: c.331G>A on transcript NM_016169.4 (MANE Select); coding-DNA position 331, G replaced by A.
Protein change: p.Asp111Asn; replaces aspartic acid 111 with asparagine.
Molecular consequence: missense variant.
Genome position (GRCh38, 1-based): chr10:102,549,983, G>A. VCF-style: chr10-102549983-G-A. GRCh37 (hg19) VCF-style: chr10-104309740-G-A.
Other names: c.331G>A, p.Asp111Asn (NM_001178133.2); short protein forms D111N.
Identifiers: ClinVar variation 823604 (VCV000823604.5), dbSNP rs1590018865, ClinGen allele CA377903015.